The following is an entry in ClinVar:

ClinVar aggregate classification (germline): Uncertain significance. Review status: criteria provided, multiple submitters, no conflicts (2 of 4 stars). 2 submissions from 2 submitters: Uncertain significance (2). Last evaluated 2021-08-25.

Allele frequency attached by ClinVar (database versions not stated): gnomAD 0.00001 and 0.00002; gnomAD exomes 0.00001 and 0.00006; TOPMed 0.00004; ExAC 0.00006.
gnomAD v4.1: 19 of 1,613,824 alleles (0.0012%); highest among the groups gnomAD compares: Admixed American, 0.032%; no homozygotes.

Submissions (2):

Labcorp Genetics (formerly Invitae), Labcorp
Classification: Uncertain significance. Last evaluated: 2021-08-25. Review status: criteria provided, single submitter. Criteria: Invitae Variant Classification Sherloc (09022015). Collection method: clinical testing. Allele origin: germline.
Comment: This variant has not been reported in the literature in individuals affected with GCKR-related conditions. This variant is present in population databases (rs576152450, ExAC 0.06%). This sequence change creates a premature translational stop signal (p.Gln529*) in the GCKR gene. It is expected to result in an absent or disrupted protein product. However, the current clinical and genetic evidence is not sufficient to establish whether loss-of-function variants in GCKR cause disease. In summary, the available evidence is currently insufficient to determine the role of this variant in disease. Therefore, it has been classified as a Variant of Uncertain Significance. ClinVar contains an entry for this variant (Variation ID: 421036).

GeneDx
Classification: Uncertain significance. Last evaluated: 2020-02-21. Review status: criteria provided, single submitter. Criteria: GeneDx Variant Classification Process June 2021. Collection method: clinical testing. Allele origin: germline. Affected: yes.
Comment: Nonsense variant predicted to result in protein truncation or nonsense mediated decay in a gene for which loss-of-function is not a known mechanism of disease; Has not been previously published as pathogenic or benign to our knowledge

NM_001486.4(GCKR):c.1585C>T (p.Gln529Ter)

Gene: GCKR (glucokinase regulator; plus strand). Cytogenetic location: 2p23.3.
Variant type: single nucleotide variant.
Coding change: c.1585C>T on transcript NM_001486.4 (MANE Select); coding-DNA position 1585, C replaced by T.
Protein change: p.Gln529Ter; replaces glutamine 529 with a stop codon.
Molecular consequence: nonsense.
Genome position (GRCh38, 1-based): chr2:27,522,472, C>T. VCF-style: chr2-27522472-C-T. GRCh37 (hg19) VCF-style: chr2-27745339-C-T.
Other names: short protein forms Q529*.
Identifiers: ClinVar variation 421036 (VCV000421036.8), dbSNP rs576152450, ClinGen allele CA1582049.